The following is an entry in ClinVar:

ClinVar aggregate classification (germline): Likely benign. Review status: criteria provided, multiple submitters, no conflicts (2 of 4 stars). 3 submissions from 3 submitters: Likely benign (3). Last evaluated 2025-07-24.

Conditions:
ATP6V1A-related disorder. Also called: ATP6V1A-related condition.

Allele frequency attached by ClinVar (database versions not stated): ExAC 0.00001; TOPMed 0.00003; gnomAD 0.00005; gnomAD exomes 0.00005; ESP Exome Variant Server 0.00015.
gnomAD v4.1: 74 of 1,610,878 alleles (0.0046%); highest among the groups gnomAD compares: Non-Finnish European, 0.0062%; no homozygotes.

Submissions (3):

Labcorp Genetics (formerly Invitae), Labcorp
Classification: Likely benign. Last evaluated: 2025-07-24. Review status: criteria provided, single submitter. Criteria: Invitae Variant Classification Sherloc (09022015). Collection method: clinical testing. Allele origin: germline.

PreventionGenetics, part of Exact Sciences
Classification: Likely benign for ATP6V1A-related condition. Last evaluated: 2025-07-24. Review status: criteria provided, single submitter. Criteria: ACMG Guidelines, 2015. Collection method: clinical testing. Allele origin: germline.
Comment: This variant is classified as likely benign based on ACMG/AMP sequence variant interpretation guidelines (Richards et al. 2015 PMID: 25741868, with internal and published modifications).

Blueprint Genetics
Classification: Likely benign. Last evaluated: 2022-08-24. Review status: criteria provided, single submitter. Criteria: ACMG Guidelines, 2015. Collection method: clinical testing. Allele origin: germline.

NM_001690.4(ATP6V1A):c.957T>G (p.Pro319=)

Gene: ATP6V1A (ATPase H+ transporting V1 subunit A; plus strand). Cytogenetic location: 3q13.31.
Variant type: single nucleotide variant.
Coding change: c.957T>G on transcript NM_001690.4 (MANE Select); coding-DNA position 957, T replaced by G.
Protein change: p.Pro319=; no amino-acid change (proline 319 retained).
Molecular consequence: synonymous variant.
Genome position (GRCh38, 1-based): chr3:113,789,809, T>G. VCF-style: chr3-113789809-T-G. GRCh37 (hg19) VCF-style: chr3-113508656-T-G.
Other names: c.957T>G (NM_001690.3).
Identifiers: ClinVar variation 2174116 (VCV002174116.6), dbSNP rs140941251, ClinGen allele CA2547945.
Genomic context (GRCh38, chr3:113,789,809, plus strand): 5'-TGGTAAGGTAGAGTCAATTATGAAGAGGACAGCTTTGGTAGCCAATACCTCCAATATGCC[T>G]GTTGCTGCTAGAGAAGCCTCTATTTATACTGGTGAGTATATAATTGGAATAAAAGCAGTT-3'
Protein context (NP_001681.2, residues 309-329): TALVANTSNM[Pro319=]VAAREASIYT